The following is an entry in ClinVar:

NM_006662.3(SRCAP):c.2972A>G (p.Lys991Arg)

Gene: SRCAP (Snf2 related CREBBP activator protein; plus strand). Cytogenetic location: 16p11.2.
Variant type: single nucleotide variant.
Coding change: c.2972A>G on transcript NM_006662.3 (MANE Select); coding-DNA position 2972, A replaced by G.
Protein change: p.Lys991Arg; replaces lysine 991 with arginine.
Molecular consequence: missense variant.
Genome position (GRCh38, 1-based): chr16:30,720,316, A>G. VCF-style: chr16-30720316-A-G. GRCh37 (hg19) VCF-style: chr16-30731637-A-G.
Other names: short protein forms K991R.
Identifiers: ClinVar variation 4781504 (VCV004781504.1).

ClinVar aggregate classification (germline): Uncertain significance (1 of 4 stars; one submission).

Submission:

Labcorp Genetics (formerly Invitae), Labcorp
Classification: Uncertain significance. Last evaluated: 2025-02-10. Review status: criteria provided, single submitter. Criteria: Invitae Variant Classification Sherloc (09022015). Collection method: clinical testing. Allele origin: germline.
Comment: This sequence change replaces lysine, which is basic and polar, with arginine, which is basic and polar, at codon 991 of the SRCAP protein (p.Lys991Arg). This variant is not present in population databases (gnomAD no frequency). This variant has not been reported in the literature in individuals affected with SRCAP-related conditions. Invitae Evidence Modeling of protein sequence and biophysical properties (such as structural, functional, and spatial information, amino acid conservation, physicochemical variation, residue mobility, and thermodynamic stability) indicates that this missense variant is not expected to disrupt SRCAP protein function with a negative predictive value of 80%. In summary, the available evidence is currently insufficient to determine the role of this variant in disease. Therefore, it has been classified as a Variant of Uncertain Significance.